The following is an entry in ClinVar:

ClinVar aggregate classification (germline): Uncertain significance (1 of 4 stars; one submission).

Submission:

Labcorp Genetics (formerly Invitae), Labcorp
Classification: Uncertain significance. Last evaluated: 2024-12-12. Review status: criteria provided, single submitter. Criteria: Invitae Variant Classification Sherloc (09022015). Collection method: clinical testing. Allele origin: germline.
Comment: This sequence change replaces glycine, which is neutral and non-polar, with arginine, which is basic and polar, at codon 1026 of the MSH3 protein (p.Gly1026Arg). This variant is not present in population databases (gnomAD no frequency). This variant has not been reported in the literature in individuals affected with MSH3-related conditions. An algorithm developed to predict the effect of missense changes on protein structure and function (PolyPhen-2) suggests that this variant is likely to be tolerated. In summary, the available evidence is currently insufficient to determine the role of this variant in disease. Therefore, it has been classified as a Variant of Uncertain Significance.

NM_002439.5(MSH3):c.3076G>A (p.Gly1026Arg)

Gene: MSH3 (mutS homolog 3; plus strand). Cytogenetic location: 5q14.1.
Variant type: single nucleotide variant.
Coding change: c.3076G>A on transcript NM_002439.5 (MANE Select); coding-DNA position 3076, G replaced by A.
Protein change: p.Gly1026Arg; replaces glycine 1026 with arginine.
Molecular consequence: missense variant.
Genome position (GRCh38, 1-based): chr5:80,864,888, G>A. VCF-style: chr5-80864888-G-A. GRCh37 (hg19) VCF-style: chr5-80160707-G-A.
Other names: short protein forms G1026R.
Identifiers: ClinVar variation 3727045 (VCV003727045.2).